The following is an entry in ClinVar:

NM_173531.4(ZNF100):c.924A>G (p.Lys308=)

Gene: ZNF100 (zinc finger protein 100; minus strand). Cytogenetic location: 19p12.
Variant type: single nucleotide variant.
Coding change: c.924A>G on transcript NM_173531.4 (MANE Select); coding-DNA position 924, A replaced by G.
Protein change: p.Lys308=; no amino-acid change (lysine 308 retained).
Molecular consequence: synonymous variant.
Genome position (GRCh38, 1-based): chr19:21,727,388, T>C on the plus strand (A>G on the coding strand, the complement: ZNF100 is on the minus strand). VCF-style: chr19-21727388-T-C. GRCh37 (hg19) VCF-style: chr19-21910190-T-C.
Other names: c.921A>G, p.Lys307= (NM_001351669.2); c.825A>G, p.Lys275= (NM_001351670.2); c.621A>G, p.Lys207= (NM_001351671.2); c.279A>G, p.Lys93= (NM_001351672.2).
Identifiers: ClinVar variation 4872071 (VCV004872071.2).

ClinVar aggregate classification (germline): Likely benign (1 of 4 stars; one submission).

gnomAD v4.1: 5 of 1,610,854 alleles (0.00031%); highest among the groups gnomAD compares: African/African-American, 0.004%; no homozygotes.

Submission:

CeGaT Center for Human Genetics Tuebingen
Classification: Likely benign. Last evaluated: 2026-05-01. Review status: criteria provided, single submitter. Criteria: CeGaT Center For Human Genetics Tuebingen Variant Classification Criteria Version 2. Collection method: clinical testing. Allele origin: germline. Affected: yes. Observed: 1 variant allele.
Comment: ZNF100: BP4, BP7